The following is an entry in ClinVar:

NM_017780.4(CHD7):c.2468T>C (p.Ile823Thr)

Gene: CHD7 (chromodomain helicase DNA binding protein 7; plus strand). Cytogenetic location: 8q12.2.
Variant type: single nucleotide variant.
Coding change: c.2468T>C on transcript NM_017780.4 (MANE Select); coding-DNA position 2468, T replaced by C.
Protein change: p.Ile823Thr; replaces isoleucine 823 with threonine.
Molecular consequence: missense variant. On other transcripts: intron variant (1).
Genome position (GRCh38, 1-based): chr8:60,808,242, T>C. VCF-style: chr8-60808242-T-C. GRCh37 (hg19) VCF-style: chr8-61720801-T-C.
Other names: c.1716+27192T>C (NM_001316690.1); short protein forms I823T.
Identifiers: ClinVar variation 958373 (VCV000958373.9), dbSNP rs1812629374, ClinGen allele CA371303916.

ClinVar aggregate classification (germline): Uncertain significance (1 of 4 stars; one submission).

Conditions:
CHARGE syndrome (CHARGE). Also called: Hittner Hirsch Kreh syndrome; Coloboma, heart anomaly, choanal atresia, retardation, genital and ear anomalies; CHARGE association; Hall-Hittner syndrome; CHARGE ASSOCIATION--COLOBOMA, HEART ANOMALY, CHOANAL ATRESIA, RETARDATION, GENITAL AND EAR ANOMALIES. Identifiers: Orphanet 138, MedGen C0265354, MONDO:0008965.

Submission:

Labcorp Genetics (formerly Invitae), Labcorp
Classification: Uncertain significance for CHARGE syndrome. Last evaluated: 2022-07-06. Review status: criteria provided, single submitter. Criteria: Invitae Variant Classification Sherloc (09022015). Collection method: clinical testing. Allele origin: germline.
Comment: Advanced modeling of protein sequence and biophysical properties (such as structural, functional, and spatial information, amino acid conservation, physicochemical variation, residue mobility, and thermodynamic stability) performed at Invitae indicates that this missense variant is not expected to disrupt CHD7 protein function. In summary, the available evidence is currently insufficient to determine the role of this variant in disease. Therefore, it has been classified as a Variant of Uncertain Significance. ClinVar contains an entry for this variant (Variation ID: 958373). This variant has not been reported in the literature in individuals affected with CHD7-related conditions. This variant is not present in population databases (gnomAD no frequency). This sequence change replaces isoleucine, which is neutral and non-polar, with threonine, which is neutral and polar, at codon 823 of the CHD7 protein (p.Ile823Thr).